The following is an entry in ClinVar:

ClinVar aggregate classification (germline): Pathogenic (1 of 4 stars; one submission).

Conditions:
Ataxia-telangiectasia syndrome (AT). Also called: Ataxia-telangiectasia, complementation group D; AT, COMPLEMENTATION GROUP C; ATAXIA-TELANGIECTASIA, COMPLEMENTATION GROUP A; ATAXIA-TELANGIECTASIA, FRESNO VARIANT; Ataxia-telangiectasia; Ataxia telangiectasia (A-T). Identifiers: Orphanet 100, MedGen C0004135, MONDO:0008840, OMIM 208900.

Submission:

Labcorp Genetics (formerly Invitae), Labcorp
Classification: Pathogenic for Ataxia-telangiectasia syndrome. Last evaluated: 2022-02-25. Review status: criteria provided, single submitter. Criteria: Invitae Variant Classification Sherloc (09022015). Collection method: clinical testing. Allele origin: germline.
Comment: For these reasons, this variant has been classified as Pathogenic. Algorithms developed to predict the effect of sequence changes on RNA splicing suggest that this variant may disrupt the consensus splice site. This variant has not been reported in the literature in individuals affected with ATM-related conditions. This variant is not present in population databases (gnomAD no frequency). This sequence change creates a premature translational stop signal (p.Asp2214Glufs*3) in the ATM gene. It is expected to result in an absent or disrupted protein product. Loss-of-function variants in ATM are known to be pathogenic (PMID: 23807571, 25614872).

Literature cited by the submitters: PubMed 23807571; PubMed 25614872.

NM_000051.4(ATM):c.6642delinsGA (p.Asp2214fs)

Genes: C11orf65 (chromosome 11 open reading frame 65; minus strand), ATM (ATM serine/threonine kinase; plus strand). Cytogenetic location: 11q22.3.
Variant type: Indel.
Coding change: c.6642delinsGA on transcript NM_000051.4 (MANE Select); coding-DNA position 6642, C replaced by GA.
Protein change: p.Asp2214fs; shifts the reading frame from aspartic acid 2214.
Molecular consequence: frameshift variant. On other transcripts: intron variant (2).
Genome position (GRCh38, 1-based): chr11:108,325,379, C replaced by GA. VCF-style: chr11-108325379-C-GA. GRCh37 (hg19) VCF-style: chr11-108196106-C-GA.
Other names: c.6642delCinsGA, p.Asp2214Glufs (NM_000051.3); c.6642delinsGA, p.Asp2214fs (NM_001351834.2); c.641-16308delinsTC (NM_001330368.2); c.*38+9841delinsTC (NM_001351110.2); short protein forms D2214fs.
Identifiers: ClinVar variation 966840 (VCV000966840.7), dbSNP rs2085558165, ClinGen allele CA1139662250.